The following is an entry in ClinVar:

ClinVar aggregate classification (germline): Uncertain significance (1 of 4 stars; one submission).

Submission:

Labcorp Genetics (formerly Invitae), Labcorp
Classification: Uncertain significance. Last evaluated: 2018-05-29. Review status: criteria provided, single submitter. Criteria: Invitae Variant Classification Sherloc (09022015). Collection method: clinical testing. Allele origin: germline.
Comment: In summary, the available evidence is currently insufficient to determine the role of this variant in disease. Therefore, it has been classified as a Variant of Uncertain Significance. The current clinical and genetic evidence is not sufficient to establish whether loss-of-function variants in A2ML1 cause disease. This variant has not been reported in the literature in individuals with A2ML1-related disease. This variant is not present in population databases (ExAC no frequency). This sequence change creates a premature translational stop signal (p.Ile1166Tyrfs*24) in the A2ML1 gene. It is expected to result in an absent or disrupted protein product.

NM_144670.6(A2ML1):c.3492_3495dup (p.Ile1166fs)

Gene: A2ML1 (alpha-2-macroglobulin like 1; plus strand). Cytogenetic location: 12p13.31.
Variant type: Duplication.
Coding change: c.3492_3495dup on transcript NM_144670.6 (MANE Select); coding-DNA positions 3492 to 3495, 4 bases duplicated (TATC; older notation c.3492_3495dupTATC).
Protein change: p.Ile1166fs; shifts the reading frame from isoleucine 1166.
Molecular consequence: frameshift variant.
Genome position (GRCh38, 1-based): chr12:8,861,287-8,861,290, TATC duplicated; duplicating any 4 consecutive bases within chr12:8,861,286-8,861,290 gives the same sequence; the c. name uses the placement nearest the transcript's 3' end. VCF-style (leftmost placement, unchanged base first): chr12-8861285-G-GCTAT. GRCh37 (hg19) VCF-style: chr12-9013881-G-GCTAT.
Other names: c.2019_2022dup, p.Ile675fs (NM_001282424.3); short protein forms I675fs, I1166fs.
Identifiers: ClinVar variation 1042508 (VCV001042508.6), dbSNP rs1199328904, ClinGen allele CA603490631.